The following is an entry in ClinVar:

NM_001382391.1(CSPP1):c.-69C>T

Gene: CSPP1 (centrosome and spindle pole associated protein 1; plus strand). Cytogenetic location: 8q13.1.
Variant type: single nucleotide variant.
Coding change: c.-69C>T on transcript NM_001382391.1 (MANE Select); 69 bases upstream of the start codon, C replaced by T.
Molecular consequence: 5 prime UTR variant. On other transcripts: nonsense (3).
Genome position (GRCh38, 1-based): chr8:67,064,480, C>T. VCF-style: chr8-67064480-C-T. GRCh37 (hg19) VCF-style: chr8-67976715-C-T.
Other names: c.-69C>T (NM_001363131.2, NM_001363132.2, NM_001363133.2); c.82C>T, p.Arg28Ter (NM_001364869.1, NM_001364870.1, NM_024790.7); short protein forms R28*.
Identifiers: ClinVar variation 1350495 (VCV001350495.7), dbSNP rs1294428066, ClinGen allele CA371208732.

ClinVar aggregate classification (germline): Pathogenic/Likely pathogenic. Review status: criteria provided, multiple submitters, no conflicts (2 of 4 stars). 3 submissions from 3 submitters: Pathogenic (1); Likely pathogenic (2). Last evaluated 2024-11-29.

Conditions:
CSPP1-related disorder. Also called: CSPP1-related condition.
Joubert syndrome. Also called: Familial aplasia of the vermis; JOUBERT-BOLTSHAUSER SYNDROME. Identifiers: Orphanet 475, MedGen C5979921, MONDO:0018772.
Meckel-Gruber syndrome. Also called: GRUBER SYNDROME; Dysencephalia splachnocystica; DYSENCEPHALIA SPLANCHNOCYSTICA. Identifiers: Orphanet 564, MedGen C0265215, MONDO:0018921.
Joubert syndrome 21 (JBTS21). Identifiers: MedGen C3810212, MONDO:0014288, OMIM 615636.

Allele frequency attached by ClinVar (database versions not stated): gnomAD exomes below 0.00001; TOPMed below 0.00001.
gnomAD v4.1: 7 of 1,613,874 alleles (0.00043%); highest among the groups gnomAD compares: Non-Finnish European, 0.00051%; no homozygotes.

Submissions (3):

Labcorp Genetics (formerly Invitae), Labcorp
Classification: Pathogenic for Joubert syndrome 21. Last evaluated: 2024-11-29. Review status: criteria provided, single submitter. Criteria: Invitae Variant Classification Sherloc (09022015). Collection method: clinical testing. Allele origin: germline.
Comment: This sequence change creates a premature translational stop signal (p.Arg28*) in the CSPP1 gene. It is expected to result in an absent or disrupted protein product. Loss-of-function variants in CSPP1 are known to be pathogenic (PMID: 24360807, 24360808). This variant is not present in population databases (gnomAD no frequency). This variant has not been reported in the literature in individuals affected with CSPP1-related conditions. ClinVar contains an entry for this variant (Variation ID: 1350495). For these reasons, this variant has been classified as Pathogenic.

Blueprint Genetics
Classification: Likely pathogenic for CSPP1-related disorders. Last evaluated: 2024-04-09. Review status: criteria provided, single submitter. Criteria: ACMG Guidelines, 2015. Collection method: clinical testing. Allele origin: germline. Affected: yes. Observed: 2 variant alleles.

Clinical Genomics Laboratory, Stanford Medicine
Classification: Likely pathogenic for Joubert syndrome; Meckel-Gruber syndrome. Last evaluated: 2023-01-24. Review status: criteria provided, single submitter. Criteria: ACMG Guidelines, 2015. Collection method: clinical testing. Allele origin: germline. Inheritance: Autosomal recessive inheritance. Observed: 1 variant allele, 1 heterozygote.

Literature cited by the submitters: PubMed 24360807 (cited by Labcorp Genetics (formerly Invitae), Labcorp); PubMed 24360808 (cited by Labcorp Genetics (formerly Invitae), Labcorp).